The following is an entry in ClinVar:

NM_000352.6(ABCC8):c.19G>T (p.Gly7Cys)

Gene: ABCC8 (ATP binding cassette subfamily C member 8; minus strand). Cytogenetic location: 11p15.1.
Variant type: single nucleotide variant.
Coding change: c.19G>T on transcript NM_000352.6 (MANE Select); coding-DNA position 19, G replaced by T.
Protein change: p.Gly7Cys; replaces glycine 7 with cysteine.
Molecular consequence: missense variant. On other transcripts: non-coding transcript variant (1).
Genome position (GRCh38, 1-based): chr11:17,476,758, C>A on the plus strand (G>T on the coding strand, the complement: ABCC8 is on the minus strand). VCF-style: chr11-17476758-C-A. GRCh37 (hg19) VCF-style: chr11-17498305-C-A.
Other names: c.19G>T, p.Gly7Cys (NM_001287174.3, NM_001351295.2, NM_001351296.2 and 1 more transcripts); short protein forms G7C.
Identifiers: ClinVar variation 2780207 (VCV002780207.3), dbSNP rs781059815, ClinGen allele CA379790383.

ClinVar aggregate classification (germline): Likely pathogenic (1 of 4 stars; one submission).

Submission:

Labcorp Genetics (formerly Invitae), Labcorp
Classification: Likely pathogenic. Last evaluated: 2023-08-24. Review status: criteria provided, single submitter. Criteria: Invitae Variant Classification Sherloc (09022015). Collection method: clinical testing. Allele origin: germline.
Comment: In summary, the currently available evidence indicates that the variant is pathogenic, but additional data are needed to prove that conclusively. Therefore, this variant has been classified as Likely Pathogenic. This variant disrupts the p.Gly7 amino acid residue in ABCC8. Other variant(s) that disrupt this residue have been determined to be pathogenic (PMID: 16357843, 23275527). This suggests that this residue is clinically significant, and that variants that disrupt this residue are likely to be disease-causing. Advanced modeling of protein sequence and biophysical properties (such as structural, functional, and spatial information, amino acid conservation, physicochemical variation, residue mobility, and thermodynamic stability) performed at Invitae indicates that this missense variant is expected to disrupt ABCC8 protein function. This missense change has been observed in individual(s) with ABCC8-related conditions (PMID: 32027066). This variant is not present in population databases (gnomAD no frequency). This sequence change replaces glycine, which is neutral and non-polar, with cysteine, which is neutral and slightly polar, at codon 7 of the ABCC8 protein (p.Gly7Cys).

Literature cited by the submitters: PubMed 16357843; PubMed 23275527; PubMed 32027066.